The following is an entry in ClinVar:

NM_001367868.2(PLIN4):c.2558C>T (p.Thr853Met)

Gene: PLIN4 (perilipin 4; minus strand). Cytogenetic location: 19p13.3.
Variant type: single nucleotide variant.
Coding change: c.2558C>T on transcript NM_001367868.2 (MANE Select); coding-DNA position 2558, C replaced by T.
Protein change: p.Thr853Met; replaces threonine 853 with methionine.
Molecular consequence: missense variant.
Genome position (GRCh38, 1-based): chr19:4,511,402, G>A on the plus strand (C>T on the coding strand, the complement: PLIN4 is on the minus strand). VCF-style: chr19-4511402-G-A. GRCh37 (hg19) VCF-style: chr19-4511414-G-A.
Other names: NM_001080400.1:c.2516C>T; c.2561C>T, p.Thr854Met (NM_001393888.1, NM_001393889.1); c.2558C>T, p.Thr853Met (NM_001393890.1, NM_001393891.1); short protein forms T853M, T854M.
Identifiers: ClinVar variation 3420818 (VCV003420818.8).
Genomic context (GRCh38, chr19:4,511,402, plus strand): 5'-GCAGCACCGGTCACCCCACTGCCAAGGGTGTTCTTTGTACCTGTTGCGATATTTTGGGTC[G>A]TTTTCAGCCCAGTTTGCACAGCACCCTTGGCCACGTTCGCAGCACCGGTGACCCCACTGC-3'
Protein context (NP_001354797.1, residues 843-863): AKGAVQTGLK[Thr853Met]TQNIATGTKN

ClinVar aggregate classification (germline): Conflicting classifications of pathogenicity. Review status: criteria provided, conflicting classifications (1 of 4 stars). 2 submissions from 2 submitters: Uncertain significance (1); Likely benign (1). Last evaluated 2025-09-01.

gnomAD v4.1: 99 of 1,541,474 alleles (0.0064%); highest among the groups gnomAD compares: African/African-American, 0.062%; 10 homozygotes.

Submissions (2):

CeGaT Center for Human Genetics Tuebingen
Classification: Likely benign. Last evaluated: 2025-09-01. Review status: criteria provided, single submitter. Criteria: CeGaT Center For Human Genetics Tuebingen Variant Classification Criteria Version 2. Collection method: clinical testing. Allele origin: germline. Affected: yes. Observed: 1 variant allele.
Comment: PLIN4: BP4

Ambry Genetics
Classification: Uncertain significance. Last evaluated: 2024-07-02. Review status: criteria provided, single submitter. Criteria: Ambry Variant Classification Scheme 2023. Collection method: clinical testing. Allele origin: germline.